The following is an entry in ClinVar:

NM_000492.4(CFTR):c.144T>A (p.Asn48Lys)

Gene: CFTR (CF transmembrane conductance regulator; plus strand). Cytogenetic location: 7q31.2.
Variant type: single nucleotide variant.
Coding change: c.144T>A on transcript NM_000492.4 (MANE Select); coding-DNA position 144, T replaced by A.
Protein change: p.Asn48Lys; replaces asparagine 48 with lysine.
Molecular consequence: missense variant.
Genome position (GRCh38, 1-based): chr7:117,504,343, T>A. VCF-style: chr7-117504343-T-A. GRCh37 (hg19) VCF-style: chr7-117144397-T-A.
Other names: short protein forms N48K.
Identifiers: ClinVar variation 3231827 (VCV003231827.1), dbSNP rs771701007, ClinGen allele CA368987426.
Genomic context (GRCh38, chr7:117,504,343, plus strand): 5'-CAGACAGCGCCTGGAATTGTCAGACATATACCAAATCCCTTCTGTTGATTCTGCTGACAA[T>A]CTATCTGAAAAATTGGAAAGGTATGTTCATGTACATTGTTTAGTTGAAGAGAGAAATTCA-3'
Protein context (NP_000483.3, residues 38-58): YQIPSVDSAD[Asn48Lys]LSEKLEREWD

ClinVar aggregate classification (germline): Uncertain significance (1 of 4 stars; one submission).

Conditions:
Cystic fibrosis (CF). Also called: MUCOVISCIDOSIS. Identifiers: Orphanet 586, MedGen C0010674, MONDO:0009061, OMIM 219700. Disease mechanism: loss of function.

Allele frequency attached by ClinVar (database versions not stated): TOPMed below 0.00001.

Submission:

Ambry Genetics
Classification: Uncertain significance for Cystic fibrosis. Last evaluated: 2023-11-21. Review status: criteria provided, single submitter. Criteria: Ambry Variant Classification Scheme 2023. Collection method: clinical testing. Allele origin: germline.
Comment: The p.N48K variant (also known as c.144T>A), located in coding exon 2 of the CFTR gene, results from a T to A substitution at nucleotide position 144. The asparagine at codon 48 is replaced by lysine, an amino acid with similar properties. This amino acid position is conserved. In addition, this alteration is predicted to be tolerated by in silico analysis. Since supporting evidence is limited at this time, the clinical significance of this alteration remains unclear.